The following is an entry in ClinVar:

NM_000404.4(GLB1):c.1715A>G (p.Gln572Arg)

Gene: GLB1 (galactosidase beta 1; minus strand). Cytogenetic location: 3p22.3.
Variant type: single nucleotide variant.
Coding change: c.1715A>G on transcript NM_000404.4 (MANE Select); coding-DNA position 1715, A replaced by G.
Protein change: p.Gln572Arg; replaces glutamine 572 with arginine.
Molecular consequence: missense variant.
Genome position (GRCh38, 1-based): chr3:33,014,075, T>C on the plus strand (A>G on the coding strand, the complement: GLB1 is on the minus strand). VCF-style: chr3-33014075-T-C. GRCh37 (hg19) VCF-style: chr3-33055567-T-C.
Other names: c.1625A>G, p.Gln542Arg (NM_001079811.3); c.1322A>G, p.Gln441Arg (NM_001135602.3); c.1859A>G, p.Gln620Arg (NM_001317040.2); c.1715A>G, p.Gln572Arg (NM_001393580.1); c.1715A>G (NM_000404.3); short protein forms Q572R, Q441R, Q542R, Q620R.
Identifiers: ClinVar variation 344784 (VCV000344784.16), dbSNP rs183126947, ClinGen allele CA2299325.

ClinVar aggregate classification (germline): Conflicting classifications of pathogenicity. Review status: criteria provided, conflicting classifications (1 of 4 stars). 5 submissions from 4 submitters: Uncertain significance (1); Likely benign (4). Last evaluated 2026-01-26.

Conditions:
GM1 gangliosidosis. Identifiers: Orphanet 354, MedGen C0085131, MONDO:0018149.
Mucopolysaccharidosis, MPS-IV-B (MPS4B). Also called: Mucopolysaccharidosis type IV B; Mucopolysaccharidosis type IVB (Morquio); MPS IVB; MORQUIO SYNDROME B; Mucopolysaccharidosis Type IVB (Morquio B Disease); Mucopolysaccharidosis type 4B. Identifiers: Orphanet 309310, Orphanet 582, MedGen C0086652, MONDO:0009660, OMIM 253010.
GLB1-related disorder. Also called: GLB1-related disorders. Identifiers: MedGen CN377807.

Allele frequency attached by ClinVar (database versions not stated): ESP Exome Variant Server 0.00008; gnomAD 0.00013 and 0.00021; TOPMed 0.00019; ExAC 0.00049; gnomAD exomes 0.00050; 1000 Genomes Project 30x 0.00078; 1000 Genomes Project 0.00080.
gnomAD v4.1: 469 of 1,614,168 alleles (0.029%); highest among the groups gnomAD compares: East Asian, 1%; 2 homozygotes.

Submissions (5):

Labcorp Genetics (formerly Invitae), Labcorp
Classification: Likely benign for Mucopolysaccharidosis, MPS-IV-B; GM1 gangliosidosis. Last evaluated: 2026-01-26. Review status: criteria provided, single submitter. Criteria: Invitae Variant Classification Sherloc (09022015). Collection method: clinical testing. Allele origin: germline.

PreventionGenetics, part of Exact Sciences
Classification: Likely benign for GLB1-related condition. Last evaluated: 2025-02-15. Review status: criteria provided, single submitter. Criteria: ACMG Guidelines, 2015. Collection method: clinical testing. Allele origin: germline.
Comment: This variant is classified as likely benign based on ACMG/AMP sequence variant interpretation guidelines (Richards et al. 2015 PMID: 25741868, with internal and published modifications).

Blueprint Genetics
Classification: Uncertain significance. Last evaluated: 2024-10-07. Review status: criteria provided, single submitter. Criteria: ACMG Guidelines, 2015. Collection method: clinical testing. Allele origin: germline.

Illumina Laboratory Services, Illumina
Classification: Likely benign for GM1 gangliosidosis. Last evaluated: 2018-01-12. Review status: criteria provided, single submitter. Criteria: ICSL Variant Classification Criteria 13 December 2019. Collection method: clinical testing. Allele origin: germline.
Comment: This variant was observed in the ICSL laboratory as part of a predisposition screen in an ostensibly healthy population. It had not been previously curated by ICSL or reported in the Human Gene Mutation Database (HGMD: prior to June 1st, 2018), and was therefore a candidate for classification through an automated scoring system. Utilizing variant allele frequency, disease prevalence and penetrance estimates, and inheritance mode, an automated score was calculated to assess if this variant is too frequent to cause the disease. Based on the score and internal cut-off values, a variant classified as likely benign is not then subjected to further curation. The score for this variant resulted in a classification of likely benign for this disease.

Illumina Laboratory Services, Illumina
Classification: Likely benign for Mucopolysaccharidosis, MPS-IV-B. Last evaluated: 2018-01-12. Review status: criteria provided, single submitter. Criteria: ICSL Variant Classification Criteria 13 December 2019. Collection method: clinical testing. Allele origin: germline.
Comment: the same text as in the submission from Illumina Laboratory Services, Illumina above.